The following is an entry in ClinVar:

ClinVar aggregate classification (germline): Pathogenic/Likely pathogenic. Review status: criteria provided, multiple submitters, no conflicts (2 of 4 stars). 4 submissions from 4 submitters: Pathogenic (2); Likely pathogenic (1). 1 of the submissions does not count toward it. Last evaluated 2025-05-19.

Conditions:
PROM1-related disorder. Also called: PROM1-related disorders; PROM1-related condition.
Stargardt disease (FFM). Also called: Stargardt's disease; Fundus flavimaculatus. Identifiers: Orphanet 827, MedGen C0271093, MONDO:0019353.

Allele frequency attached by ClinVar (database versions not stated): gnomAD exomes below 0.00001.
gnomAD v4.1: 1 of 1,610,036 alleles (0.000062%); highest among the groups gnomAD compares: Admixed American, 0.0017%; no homozygotes.

Submissions (4):

3billion
Classification: Pathogenic for PROM1-related disorder. Last evaluated: 2025-05-19. Review status: criteria provided, single submitter. Criteria: ACMG Guidelines, 2015. Collection method: clinical testing. Allele origin: germline. Affected: yes.
Comment: The variant is observed at an extremely low frequency in the gnomAD v4.1.0 dataset (total allele frequency: <0.001%). Predicted Consequence/Location: Stop-gained (nonsense): predicted to result in a loss or disruption of normal protein function through nonsense-mediated decay (NMD) or protein truncation. Multiple pathogenic variants are reported downstream of the variant. The variant has been reported at least twice as pathogenic without evidence for the classification (ClinVar ID: VCV001070960 /PMID: 31054281 /3billion dataset). Therefore, this variant is classified as Pathogenic according to the recommendation of ACMG/AMP guideline.

Labcorp Genetics (formerly Invitae), Labcorp
Classification: Pathogenic. Last evaluated: 2023-03-08. Review status: criteria provided, single submitter. Criteria: Invitae Variant Classification Sherloc (09022015). Collection method: clinical testing. Allele origin: germline.
Comment: For these reasons, this variant has been classified as Pathogenic. ClinVar contains an entry for this variant (Variation ID: 1070960). This variant has not been reported in the literature in individuals affected with PROM1-related conditions. This variant is not present in population databases (gnomAD no frequency). This sequence change creates a premature translational stop signal (p.Gln675*) in the PROM1 gene. It is expected to result in an absent or disrupted protein product. Loss-of-function variants in PROM1 are known to be pathogenic (PMID: 17605048, 19718270, 24154662, 25474345).

Blueprint Genetics
Classification: Likely pathogenic for PROM1-related disorders. Last evaluated: 2021-09-24. Review status: criteria provided, single submitter. Criteria: ACMG Guidelines, 2015. Collection method: clinical testing. Allele origin: germline. Affected: yes. Observed: 1 variant allele.

Ophthalmo-Genetics Lab, Instituto de Oftalmologia Conde de Valenciana
Classification: Pathogenic for Stargardt disease. Last evaluated: 2022-12-13. Review status: no assertion criteria provided. Collection method: research. Allele origin: inherited. Inheritance: Autosomal recessive inheritance. Affected: yes. Observed: 1 homozygote. Not counted in ClinVar's aggregate classification.

Literature cited by the submitters: PubMed 31054281 (cited by 3billion); PubMed 17605048 (cited by Labcorp Genetics (formerly Invitae), Labcorp); PubMed 19718270 (cited by Labcorp Genetics (formerly Invitae), Labcorp); PubMed 24154662 (cited by Labcorp Genetics (formerly Invitae), Labcorp); PubMed 25474345 (cited by Labcorp Genetics (formerly Invitae), Labcorp); PubMed 30578500 (cited by Ophthalmo-Genetics Lab, Instituto de Oftalmologia Conde de Valenciana).

NM_006017.3(PROM1):c.2023C>T (p.Gln675Ter)

Gene: PROM1 (prominin 1; minus strand). Cytogenetic location: 4p15.32.
Variant type: single nucleotide variant.
Coding change: c.2023C>T on transcript NM_006017.3 (MANE Select); coding-DNA position 2023, C replaced by T.
Protein change: p.Gln675Ter; replaces glutamine 675 with a stop codon.
Molecular consequence: nonsense.
Genome position (GRCh38, 1-based): chr4:15,989,785, G>A on the plus strand (C>T on the coding strand, the complement: PROM1 is on the minus strand). VCF-style: chr4-15989785-G-A. GRCh37 (hg19) VCF-style: chr4-15991408-G-A.
Other names: c.1996C>T, p.Gln666Ter (NM_001145847.2, NM_001145848.2, NM_001145851.2 and 4 more transcripts); c.2023C>T, p.Gln675Ter (NM_001145849.2, NM_001145850.2); short protein forms Q666*, Q675*.
Identifiers: ClinVar variation 1070960 (VCV001070960.11), dbSNP rs1324631413, ClinGen allele CA356430225.